The following is an entry in ClinVar:

ClinVar aggregate classification (germline): Uncertain significance. Review status: criteria provided, multiple submitters, no conflicts (2 of 4 stars). 4 submissions from 4 submitters: Uncertain significance (4). Last evaluated 2025-10-07.

Conditions:
Hereditary cancer-predisposing syndrome. Also called: Neoplastic Syndromes, Hereditary; Hereditary Cancer Syndrome; Hereditary neoplastic syndrome; Tumor predisposition. Identifiers: Orphanet 140162, MedGen C0027672, MeSH D009386, MONDO:0015356.
Ataxia-telangiectasia syndrome (AT). Also called: Cerebello-oculocutaneous telangiectasia; Immunodeficiency with ataxia telangiectasia; Ataxia-telangiectasia, complementation group D; AT, COMPLEMENTATION GROUP C; ATAXIA-TELANGIECTASIA, FRESNO VARIANT; ATAXIA-TELANGIECTASIA, COMPLEMENTATION GROUP A. Identifiers: Orphanet 100, MedGen C0004135, MONDO:0008840, OMIM 208900.

Allele frequency attached by ClinVar (database versions not stated): gnomAD exomes below 0.00001; gnomAD 0.00001.
gnomAD v4.1: 7 of 1,613,628 alleles (0.00043%); highest among the groups gnomAD compares: African/African-American, 0.0013%; no homozygotes.

Submissions (4):

Labcorp Genetics (formerly Invitae), Labcorp
Classification: Uncertain significance for Ataxia-telangiectasia syndrome. Last evaluated: 2025-10-07. Review status: criteria provided, single submitter. Criteria: Invitae Variant Classification Sherloc (09022015). Collection method: clinical testing. Allele origin: germline.
Comment: This sequence change replaces threonine, which is neutral and polar, with proline, which is neutral and non-polar, at codon 1745 of the ATM protein (p.Thr1745Pro). This variant is present in population databases (rs587782532, gnomAD 0.01%). This variant has not been reported in the literature in individuals affected with ATM-related conditions. ClinVar contains an entry for this variant (Variation ID: 142543). Invitae Evidence Modeling of protein sequence and biophysical properties (such as structural, functional, and spatial information, amino acid conservation, physicochemical variation, residue mobility, and thermodynamic stability) indicates that this missense variant is not expected to disrupt ATM protein function with a negative predictive value of 95%. In summary, the available evidence is currently insufficient to determine the role of this variant in disease. Therefore, it has been classified as a Variant of Uncertain Significance.

Ambry Genetics
Classification: Uncertain significance for Hereditary cancer-predisposing syndrome. Last evaluated: 2024-10-11. Review status: criteria provided, single submitter. Criteria: Ambry Variant Classification Scheme 2023. Collection method: clinical testing. Allele origin: germline.
Comment: The p.T1745P variant (also known as c.5233A>C), located in coding exon 34 of the ATM gene, results from an A to C substitution at nucleotide position 5233. The threonine at codon 1745 is replaced by proline, an amino acid with highly similar properties. This variant was identified in 1 of 13087 breast cancer cases and 0 of 5488 control individuals in the UK (Decker B et al. J Med Genet, 2017 Nov;54:732-741). This amino acid position is not well conserved in available vertebrate species. In addition, the in silico prediction for this alteration is inconclusive. Based on the available evidence, the clinical significance of this variant remains unclear.

Color Diagnostics, LLC DBA Color Health
Classification: Uncertain significance for Hereditary cancer-predisposing syndrome. Last evaluated: 2020-10-13. Review status: criteria provided, single submitter. Criteria: ACMG Guidelines, 2015. Collection method: clinical testing. Allele origin: germline.
Comment: This missense variant replaces threonine with proline at codon 1745 of the ATM protein. Computational prediction suggests that this variant may not impact protein structure and function (internally defined REVEL score threshold <= 0.5, PMID: 27666373). To our knowledge, functional studies have not been reported for this variant. This variant has not been reported in individuals affected with hereditary cancer in the literature. This variant has been identified in 1/31384 chromosomes in the general population by the Genome Aggregation Database (gnomAD). The available evidence is insufficient to determine the role of this variant in disease conclusively. Therefore, this variant is classified as a Variant of Uncertain Significance.

GeneDx
Classification: Uncertain significance. Last evaluated: 2019-11-13. Review status: criteria provided, single submitter. Criteria: GeneDx Variant Classification Process June 2021. Collection method: clinical testing. Allele origin: germline. Affected: yes.
Comment: In silico analysis, which includes protein predictors and evolutionary conservation, supports that this variant does not alter protein structure/function; Observed in individuals with breast cancer (Decker 2017); This variant is associated with the following publications: (PMID: 28779002)

Literature cited by the submitters: PubMed 28779002 (cited by Ambry Genetics).

NM_000051.4(ATM):c.5233A>C (p.Thr1745Pro)

Gene: ATM (ATM serine/threonine kinase; plus strand). Cytogenetic location: 11q22.3.
Variant type: single nucleotide variant.
Coding change: c.5233A>C on transcript NM_000051.4 (MANE Select); coding-DNA position 5233, A replaced by C.
Protein change: p.Thr1745Pro; replaces threonine 1745 with proline.
Molecular consequence: missense variant.
Genome position (GRCh38, 1-based): chr11:108,301,703, A>C. VCF-style: chr11-108301703-A-C. GRCh37 (hg19) VCF-style: chr11-108172430-A-C.
Other names: c.5233A>C, p.Thr1745Pro (NM_001351834.2); short protein forms T1745P.
Identifiers: ClinVar variation 142543 (VCV000142543.19), dbSNP rs587782532, ClinGen allele CA168671.